The following is an entry in ClinVar:

NM_000368.5(TSC1):c.2634A>G (p.Glu878=)

Gene: TSC1 (TSC complex subunit 1; minus strand). Cytogenetic location: 9q34.13.
Variant type: single nucleotide variant.
Coding change: c.2634A>G on transcript NM_000368.5 (MANE Select); coding-DNA position 2634, A replaced by G.
Protein change: p.Glu878=; no amino-acid change (glutamic acid 878 retained).
Molecular consequence: synonymous variant. On other transcripts: non-coding transcript variant (5).
Genome position (GRCh38, 1-based): chr9:132,897,602, T>C on the plus strand (A>G on the coding strand, the complement: TSC1 is on the minus strand). VCF-style: chr9-132897602-T-C. GRCh37 (hg19) VCF-style: chr9-135772989-T-C.
Other names: c.2631A>G, p.Glu877= (NM_001162426.2, NM_001406597.1, NM_001406598.1 and 2 more transcripts); c.2481A>G, p.Glu827= (NM_001162427.2, NM_001406610.1); c.2271A>G, p.Glu757= (NM_001362177.2, NM_001406614.1, NM_001406615.1 and 4 more transcripts); c.2634A>G, p.Glu878= (NM_001406592.1, NM_001406593.1, NM_001406594.1 and 2 more transcripts); c.2619A>G, p.Glu873= (NM_001406601.1, NM_001406602.1); c.2616A>G, p.Glu872= (NM_001406603.1, NM_001406604.1); c.2592A>G, p.Glu864= (NM_001406605.1, NM_001406606.1, NM_001406607.1); c.2589A>G, p.Glu863= (NM_001406608.1, NM_001406609.1); and 8 more.
Identifiers: ClinVar variation 4873417 (VCV004873417.2).
Genomic context (GRCh38, chr9:132,897,602, plus strand): 5'-CTGCTGGAGAACATGGCTTCTGTTTTTTTCTAGCTCTTTCCGATAGGCGGCTTTCATCAT[T>C]TCTACTTCCTGAAAAAAAAAAAAAAAAAAGACTGGAATTAGTACTTATAAAAAATAAACA-3'
Protein context (NP_000359.1, residues 868-888): NKHSDTTKEV[Glu878=]MMKAAYRKEL

ClinVar aggregate classification (germline): Likely benign (1 of 4 stars; one submission).

Submission:

CeGaT Center for Human Genetics Tuebingen
Classification: Likely benign. Last evaluated: 2026-05-01. Review status: criteria provided, single submitter. Criteria: CeGaT Center For Human Genetics Tuebingen Variant Classification Criteria Version 2. Collection method: clinical testing. Allele origin: germline. Affected: yes. Observed: 1 variant allele.
Comment: TSC1: PM2:Supporting, BP4, BP7